The following is an entry in ClinVar:

ClinVar aggregate classification (germline): Uncertain significance (1 of 4 stars; one submission).

Conditions:
Gamma-aminobutyric acid transaminase deficiency (GABATD). Also called: GABA transaminase deficiency; Gamma aminobutyrate transaminase deficiency; 4 alpha aminobutyrate transaminase deficiency; GABA aminotransaminase deficiency. Identifiers: Orphanet 2066, MedGen C0342708, MONDO:0013166, OMIM 613163.

Allele frequency attached by ClinVar (database versions not stated): TOPMed below 0.00001; gnomAD 0.00001; gnomAD exomes 0.00002.
gnomAD v4.1: 27 of 1,614,052 alleles (0.0017%); highest among the groups gnomAD compares: Non-Finnish European, 0.0023%; no homozygotes.

Submission:

Labcorp Genetics (formerly Invitae), Labcorp
Classification: Uncertain significance for Gamma-aminobutyric acid transaminase deficiency. Last evaluated: 2022-06-10. Review status: criteria provided, single submitter. Criteria: Invitae Variant Classification Sherloc (09022015). Collection method: clinical testing. Allele origin: germline.
Comment: This sequence change replaces serine, which is neutral and polar, with cysteine, which is neutral and slightly polar, at codon 471 of the ABAT protein (p.Ser471Cys). This variant is not present in population databases (gnomAD no frequency). This variant has not been reported in the literature in individuals affected with ABAT-related conditions. Algorithms developed to predict the effect of missense changes on protein structure and function are either unavailable or do not agree on the potential impact of this missense change (SIFT: "Deleterious"; PolyPhen-2: "Possibly Damaging"; Align-GVGD: "Class C0"). In summary, the available evidence is currently insufficient to determine the role of this variant in disease. Therefore, it has been classified as a Variant of Uncertain Significance.

NM_020686.6(ABAT):c.1412C>G (p.Ser471Cys)

Gene: ABAT (4-aminobutyrate aminotransferase; plus strand). Cytogenetic location: 16p13.2.
Variant type: single nucleotide variant.
Coding change: c.1412C>G on transcript NM_020686.6 (MANE Select); coding-DNA position 1412, C replaced by G.
Protein change: p.Ser471Cys; replaces serine 471 with cysteine.
Molecular consequence: missense variant.
Genome position (GRCh38, 1-based): chr16:8,781,339, C>G. VCF-style: chr16-8781339-C-G. GRCh37 (hg19) VCF-style: chr16-8875196-C-G.
Other names: c.1412C>G, p.Ser471Cys (NM_000663.5, NM_001127448.2, NM_001386600.1 and 4 more transcripts); c.1373C>G, p.Ser458Cys (NM_001386605.1); c.1349C>G, p.Ser450Cys (NM_001386606.1, NM_001386607.1); c.1319C>G, p.Ser440Cys (NM_001386608.1); c.1300C>G, p.Pro434Ala (NM_001386609.1); c.1277C>G, p.Ser426Cys (NM_001386610.1, NM_001386611.1); c.1214C>G, p.Ser405Cys (NM_001386612.1, NM_001386613.1); c.1166C>G, p.Ser389Cys (NM_001386614.1); and 2 more; short protein forms P434A, S450C, S458C, S503C, P491A, S389C, S426C, S405C.
Identifiers: ClinVar variation 1404559 (VCV001404559.3), dbSNP rs768495738, ClinGen allele CA277475948.